The following is an entry in ClinVar:

NM_001098.3(ACO2):c.249G>C (p.Glu83Asp)

Gene: ACO2 (aconitase 2; plus strand). Cytogenetic location: 22q13.2.
Variant type: single nucleotide variant.
Coding change: c.249G>C on transcript NM_001098.3 (MANE Select); coding-DNA position 249, G replaced by C.
Protein change: p.Glu83Asp; replaces glutamic acid 83 with aspartic acid.
Molecular consequence: missense variant.
Genome position (GRCh38, 1-based): chr22:41,507,866, G>C. VCF-style: chr22-41507866-G-C. GRCh37 (hg19) VCF-style: chr22-41903870-G-C.
Other names: p.Glu83Asp; short protein forms E83D.
Identifiers: ClinVar variation 972149 (VCV000972149.8), dbSNP rs2066405665, ClinGen allele CA411713160.

ClinVar aggregate classification (germline): Uncertain significance. Review status: criteria provided, multiple submitters, no conflicts (2 of 4 stars). 2 submissions from 2 submitters: Uncertain significance (2). Last evaluated 2025-04-14.

Allele frequency attached by ClinVar (database versions not stated): gnomAD exomes below 0.00001; TOPMed below 0.00001.
gnomAD v4.1: 2 of 1,614,224 alleles (0.00012%); highest among the groups gnomAD compares: Non-Finnish European, 0.00017%; no homozygotes.

Submissions (2):

Mayo Clinic Laboratories, Mayo Clinic
Classification: Uncertain significance. Last evaluated: 2025-04-14. Review status: criteria provided, single submitter. Criteria: ACMG Guidelines, 2015. Collection method: clinical testing. Allele origin: germline. Observed: 1 variant allele.
Comment: BP4_moderate, PM2_supporting

Labcorp Genetics (formerly Invitae), Labcorp
Classification: Uncertain significance. Last evaluated: 2021-10-11. Review status: criteria provided, single submitter. Criteria: Invitae Variant Classification Sherloc (09022015). Collection method: clinical testing. Allele origin: germline.
Comment: In summary, the available evidence is currently insufficient to determine the role of this variant in disease. Therefore, it has been classified as a Variant of Uncertain Significance. Algorithms developed to predict the effect of missense changes on protein structure and function (SIFT, PolyPhen-2, Align-GVGD) all suggest that this variant is likely to be tolerated. This variant has not been reported in the literature in individuals affected with ACO2-related conditions. This variant is not present in population databases (ExAC no frequency). This sequence change replaces glutamic acid with aspartic acid at codon 83 of the ACO2 protein (p.Glu83Asp). The glutamic acid residue is moderately conserved and there is a small physicochemical difference between glutamic acid and aspartic acid.